The following is an entry in ClinVar:

NM_014370.4(SRPK3):c.105C>G (p.Ala35=)

Gene: SRPK3 (SRSF protein kinase 3; plus strand). Cytogenetic location: Xq28.
Variant type: single nucleotide variant.
Coding change: c.105C>G on transcript NM_014370.4 (MANE Select); coding-DNA position 105, C replaced by G.
Protein change: p.Ala35=; no amino-acid change (alanine 35 retained).
Molecular consequence: synonymous variant.
Genome position (GRCh38, 1-based): chrX:153,781,261, C>G. VCF-style: chrX-153781261-C-G. GRCh37 (hg19) VCF-style: chrX-153046716-C-G.
Other names: c.105C>G, p.Ala35= (NM_001170760.2, NM_001170761.2).
Identifiers: ClinVar variation 708293 (VCV000708293.7), dbSNP rs146982682, ClinGen allele CA10552104.
Genomic context (GRCh38, chrX:153,781,261, plus strand): 5'-TCACCCCACCCGCAGCTCACAGGCCTCCTGCGGGCCCGAGTCCTCGGGCTCCGAACTAGC[C>G]CTGGCCACACCGGTGCCTCAGATGCTGCAGGGCCTTCTGGGCTCCGACGACGAGGAACAG-3'
Protein context (NP_055185.2, residues 25-45): CGPESSGSEL[Ala35=]LATPVPQMLQ

ClinVar aggregate classification (germline): Benign/Likely benign. Review status: criteria provided, multiple submitters, no conflicts (2 of 4 stars). 2 submissions from 2 submitters: Benign (1); Likely benign (1). Last evaluated 2026-02-01.

Allele frequency attached by ClinVar (database versions not stated): TOPMed 0.00022; gnomAD 0.00032; 1000 Genomes Project 30x 0.00042; 1000 Genomes Project 0.00053.
gnomAD v4.1: 101 of 1,208,673 alleles (0.0084%); highest among the groups gnomAD compares: East Asian, 0.14%; no homozygotes.

Submissions (2):

CeGaT Center for Human Genetics Tuebingen
Classification: Likely benign. Last evaluated: 2026-02-01. Review status: criteria provided, single submitter. Criteria: CeGaT Center For Human Genetics Tuebingen Variant Classification Criteria Version 2. Collection method: clinical testing. Allele origin: germline. Affected: yes. Observed: 1 variant allele.
Comment: SRPK3: BP4, BP7, BS2

Labcorp Genetics (formerly Invitae), Labcorp
Classification: Benign. Last evaluated: 2017-08-14. Review status: criteria provided, single submitter. Criteria: Invitae Variant Classification Sherloc (09022015). Collection method: clinical testing. Allele origin: germline.